The following is an entry in ClinVar:

NM_001174150.2(ARL13B):c.479G>A (p.Cys160Tyr)

Gene: ARL13B (ARF like GTPase 13B; plus strand). Cytogenetic location: 3q11.2.
Variant type: single nucleotide variant.
Coding change: c.479G>A on transcript NM_001174150.2 (MANE Select); coding-DNA position 479, G replaced by A.
Protein change: p.Cys160Tyr; replaces cysteine 160 with tyrosine.
Molecular consequence: missense variant. On other transcripts: non-coding transcript variant (2).
Genome position (GRCh38, 1-based): chr3:94,035,429, G>A. VCF-style: chr3-94035429-G-A. GRCh37 (hg19) VCF-style: chr3-93754273-G-A.
Other names: c.170G>A, p.Cys57Tyr (NM_001174151.2); c.434G>A, p.Cys145Tyr (NM_001321328.2); c.158G>A, p.Cys53Tyr (NM_144996.4); c.479G>A, p.Cys160Tyr (NM_182896.3); short protein forms C160Y, C57Y, C53Y, C145Y.
Identifiers: ClinVar variation 546198 (VCV000546198.8), dbSNP rs757417843, ClinGen allele CA2504045.

ClinVar aggregate classification (germline): Uncertain significance. Review status: criteria provided, multiple submitters, no conflicts (2 of 4 stars). 3 submissions from 3 submitters: Uncertain significance (3). Last evaluated 2023-12-05.

Conditions:
Joubert syndrome 8 (JBTS8). Identifiers: Orphanet 475, MedGen C2676771, MONDO:0012855, OMIM 612291.

Allele frequency attached by ClinVar (database versions not stated): gnomAD exomes below 0.00001 and 0.00001; ExAC 0.00001; gnomAD 0.00001; TOPMed 0.00001.
gnomAD v4.1: 4 of 1,562,942 alleles (0.00026%); highest among the groups gnomAD compares: Non-Finnish European, 0.00035%; no homozygotes.

Submissions (3):

GeneDx
Classification: Uncertain significance. Last evaluated: 2023-12-05. Review status: criteria provided, single submitter. Criteria: GeneDx Variant Classification Process June 2021. Collection method: clinical testing. Allele origin: germline. Affected: yes.
Comment: Not observed at significant frequency in large population cohorts (gnomAD); In silico analysis supports that this missense variant has a deleterious effect on protein structure/function; Has not been previously published as pathogenic or benign to our knowledge

Blueprint Genetics
Classification: Uncertain significance. Last evaluated: 2023-11-06. Review status: criteria provided, single submitter. Criteria: ACMG Guidelines, 2015. Collection method: clinical testing. Allele origin: germline.

Labcorp Genetics (formerly Invitae), Labcorp
Classification: Uncertain significance for Joubert syndrome 8. Last evaluated: 2023-08-30. Review status: criteria provided, single submitter. Criteria: Invitae Variant Classification Sherloc (09022015). Collection method: clinical testing. Allele origin: germline.
Comment: This sequence change replaces cysteine, which is neutral and slightly polar, with tyrosine, which is neutral and polar, at codon 160 of the ARL13B protein (p.Cys160Tyr). The frequency data for this variant in the population databases is considered unreliable, as metrics indicate poor data quality at this position in the gnomAD database. This variant has not been reported in the literature in individuals affected with ARL13B-related conditions. ClinVar contains an entry for this variant (Variation ID: 546198). Advanced modeling of protein sequence and biophysical properties (such as structural, functional, and spatial information, amino acid conservation, physicochemical variation, residue mobility, and thermodynamic stability) has been performed at Invitae for this missense variant, however the output from this modeling did not meet the statistical confidence thresholds required to predict the impact of this variant on ARL13B protein function. In summary, the available evidence is currently insufficient to determine the role of this variant in disease. Therefore, it has been classified as a Variant of Uncertain Significance.